The following is an entry in ClinVar:

ClinVar aggregate classification (germline): Benign/Likely benign. Review status: criteria provided, multiple submitters, no conflicts (2 of 4 stars). 10 submissions from 10 submitters: Benign (2); Likely benign (7). 1 of the submissions does not count toward it. Last evaluated 2026-01-14.

Conditions:
Cardiovascular phenotype. Identifiers: MedGen CN230736.
DES-related disorder. Also called: DES-related condition.
Desmin-related myofibrillar myopathy (MFM1). Also called: Desminopathy; Myofibrillar myopathy 1; MYOFIBRILLAR MYOPATHY WITH ARRHYTHMOGENIC RIGHT VENTRICULAR CARDIOMYOPATHY; DESMIN-RELATED MYOPATHY WITH ARRHYTHMOGENIC RIGHT VENTRICULAR CARDIOMYOPATHY; Desmin related myopathy (former name); Desmin storage myopathy (former name). Identifiers: Orphanet 363543, Orphanet 98909, MedGen C1832370, MONDO:0011076, OMIM 601419.
Cardiomyopathy (CMYO). Also called: Cardiomyopathies. Identifiers: Orphanet 167848, MedGen C0878544, MONDO:0004994, HP:0001638. Inheritance: Various modes of inheritance.

Allele frequency attached by ClinVar (database versions not stated): gnomAD 0.00005 and 0.00006; TOPMed 0.00005; gnomAD exomes 0.00008; ExAC 0.00013.
gnomAD v4.1: 107 of 1,603,418 alleles (0.0067%); highest among the groups gnomAD compares: Middle Eastern, 0.017%; no homozygotes.

Submissions (10):

Labcorp Genetics (formerly Invitae), Labcorp
Classification: Likely benign for Desmin-related myofibrillar myopathy. Last evaluated: 2026-01-14. Review status: criteria provided, single submitter. Criteria: Invitae Variant Classification Sherloc (09022015). Collection method: clinical testing. Allele origin: germline.

Women's Health and Genetics/Laboratory Corporation of America, LabCorp
Classification: Likely benign. Last evaluated: 2025-07-09. Review status: criteria provided, single submitter. Criteria: LabCorp Variant Classification Summary - May 2015. Collection method: clinical testing. Allele origin: germline.

CeGaT Center for Human Genetics Tuebingen
Classification: Likely benign. Last evaluated: 2025-07-01. Review status: criteria provided, single submitter. Criteria: CeGaT Center For Human Genetics Tuebingen Variant Classification Criteria Version 2. Collection method: clinical testing. Allele origin: germline. Affected: yes. Observed: 4 variant alleles.
Comment: DES: BP4, BP7

Laboratory of Genetics, Children's Clinical University Hospital Latvia
Classification: Benign. Last evaluated: 2025-02-16. Review status: criteria provided, single submitter. Criteria: ACMG Guidelines, 2015. Collection method: clinical testing. Allele origin: germline. Affected: yes.

Blueprint Genetics
Classification: Likely benign. Last evaluated: 2024-09-25. Review status: criteria provided, single submitter. Criteria: ACMG Guidelines, 2015. Collection method: clinical testing. Allele origin: germline.

CHEO Genetics Diagnostic Laboratory, Children's Hospital of Eastern Ontario
Classification: Likely benign for Cardiomyopathy. Last evaluated: 2022-07-27. Review status: criteria provided, single submitter. Criteria: ACMG Guidelines, 2015. Collection method: clinical testing. Allele origin: germline.

Ambry Genetics
Classification: Likely benign for Cardiovascular phenotype. Last evaluated: 2020-12-08. Review status: criteria provided, single submitter. Criteria: Ambry Variant Classification Scheme 2023. Collection method: clinical testing. Allele origin: germline.

GeneDx
Classification: Benign. Last evaluated: 2015-05-09. Review status: criteria provided, single submitter. Criteria: GeneDx Variant Classification (06012015). Collection method: clinical testing. Allele origin: germline. Affected: yes.
Comment: This variant is considered likely benign or benign based on one or more of the following criteria: it is a conservative change, it occurs at a poorly conserved position in the protein, it is predicted to be benign by multiple in silico algorithms, and/or has population frequency not consistent with disease.

Laboratory for Molecular Medicine, Mass General Brigham Personalized Medicine
Classification: Likely benign. Last evaluated: 2014-12-31. Review status: criteria provided, single submitter. Criteria: LMM Criteria. Collection method: clinical testing. Allele origin: germline. Observed: 1 variant allele.
Comment: p.Pro33Pro in exon 1 of DES: This variant is not expected to have clinical signi ficance because it does not alter an amino acid residue and is not located withi n the splice consensus sequence.

PreventionGenetics, part of Exact Sciences
Classification: Likely benign for DES-related condition. Last evaluated: 2020-11-06. Review status: no assertion criteria provided. Collection method: clinical testing. Allele origin: germline. Not counted in ClinVar's aggregate classification.
Comment: This variant is classified as likely benign based on ACMG/AMP sequence variant interpretation guidelines (Richards et al. 2015 PMID: 25741868, with internal and published modifications).

NM_001927.4(DES):c.99C>T (p.Pro33=)

Gene: DES (desmin; plus strand). Cytogenetic location: 2q35.
Variant type: single nucleotide variant.
Coding change: c.99C>T on transcript NM_001927.4 (MANE Select); coding-DNA position 99, C replaced by T.
Protein change: p.Pro33=; no amino-acid change (proline 33 retained).
Molecular consequence: synonymous variant.
Genome position (GRCh38, 1-based): chr2:219,418,561, C>T. VCF-style: chr2-219418561-C-T. GRCh37 (hg19) VCF-style: chr2-220283283-C-T.
Identifiers: ClinVar variation 227284 (VCV000227284.62), dbSNP rs774006810, ClinGen allele CA2125018.